The following is an entry in ClinVar:

NM_032228.6(FAR1):c.298G>A (p.Val100Met)

Gene: FAR1 (fatty acyl-CoA reductase 1; plus strand). Cytogenetic location: 11p15.3.
Variant type: single nucleotide variant.
Coding change: c.298G>A on transcript NM_032228.6 (MANE Select); coding-DNA position 298, G replaced by A.
Protein change: p.Val100Met; replaces valine 100 with methionine.
Molecular consequence: missense variant.
Genome position (GRCh38, 1-based): chr11:13,700,425, G>A. VCF-style: chr11-13700425-G-A. GRCh37 (hg19) VCF-style: chr11-13721972-G-A.
Other names: short protein forms V100M.
Identifiers: ClinVar variation 3092859 (VCV003092859.4), dbSNP rs2500114339, ClinGen allele CA379856679.

ClinVar aggregate classification (germline): Uncertain significance. Review status: criteria provided, multiple submitters, no conflicts (2 of 4 stars). 3 submissions from 3 submitters: Uncertain significance (3). Last evaluated 2025-03-24.

Conditions:
Inborn genetic diseases. Identifiers: MedGen C0950123, MeSH D030342.

Submissions (3):

Greenwood Genetic Center Diagnostic Laboratories, Greenwood Genetic Center
Classification: Uncertain significance. Last evaluated: 2025-03-24. Review status: criteria provided, single submitter. Criteria: ACMG Guidelines, 2015. Collection method: clinical testing. Allele origin: germline.
Comment: PM2, BP4, PP2

Labcorp Genetics (formerly Invitae), Labcorp
Classification: Uncertain significance. Last evaluated: 2024-06-25. Review status: criteria provided, single submitter. Criteria: Invitae Variant Classification Sherloc (09022015). Collection method: clinical testing. Allele origin: germline.
Comment: This sequence change replaces valine, which is neutral and non-polar, with methionine, which is neutral and non-polar, at codon 100 of the FAR1 protein (p.Val100Met). This variant is not present in population databases (gnomAD no frequency). This variant has not been reported in the literature in individuals affected with FAR1-related conditions. Advanced modeling of protein sequence and biophysical properties (such as structural, functional, and spatial information, amino acid conservation, physicochemical variation, residue mobility, and thermodynamic stability) performed at Invitae indicates that this missense variant is not expected to disrupt FAR1 protein function with a negative predictive value of 80%. In summary, the available evidence is currently insufficient to determine the role of this variant in disease. Therefore, it has been classified as a Variant of Uncertain Significance.

Ambry Genetics
Classification: Uncertain significance for Inborn genetic diseases. Last evaluated: 2023-10-13. Review status: criteria provided, single submitter. Criteria: Ambry Variant Classification Scheme 2023. Collection method: clinical testing. Allele origin: germline.